The following is an entry in ClinVar:

ClinVar aggregate classification (germline): Uncertain significance (1 of 4 stars; one submission).

gnomAD v4.1: 3 of 1,613,960 alleles (0.00019%); highest among the groups gnomAD compares: South Asian, 0.0022%; no homozygotes.

Submission:

Labcorp Genetics (formerly Invitae), Labcorp
Classification: Uncertain significance. Last evaluated: 2025-03-11. Review status: criteria provided, single submitter. Criteria: Invitae Variant Classification Sherloc (09022015). Collection method: clinical testing. Allele origin: germline.
Comment: This sequence change replaces proline, which is neutral and non-polar, with leucine, which is neutral and non-polar, at codon 108 of the FBXO11 protein (p.Pro108Leu). This variant is present in population databases (no rsID available, gnomAD 0.003%). This variant has not been reported in the literature in individuals affected with FBXO11-related conditions. An algorithm developed to predict the effect of missense changes on protein structure and function (PolyPhen-2) suggests that this variant is likely to be tolerated. In summary, the available evidence is currently insufficient to determine the role of this variant in disease. Therefore, it has been classified as a Variant of Uncertain Significance.

NM_001190274.2(FBXO11):c.323C>T (p.Pro108Leu)

Gene: FBXO11 (F-box protein 11; minus strand). Cytogenetic location: 2p16.3.
Variant type: single nucleotide variant.
Coding change: c.323C>T on transcript NM_001190274.2 (MANE Select); coding-DNA position 323, C replaced by T.
Protein change: p.Pro108Leu; replaces proline 108 with leucine.
Molecular consequence: missense variant.
Genome position (GRCh38, 1-based): chr2:47,839,679, G>A on the plus strand (C>T on the coding strand, the complement: FBXO11 is on the minus strand). VCF-style: chr2-47839679-G-A. GRCh37 (hg19) VCF-style: chr2-48066818-G-A.
Other names: c.71C>T, p.Pro24Leu (NM_001374325.1, NM_025133.4); short protein forms P108L, P24L.
Identifiers: ClinVar variation 4806053 (VCV004806053.1).